The following is an entry in ClinVar:

ClinVar aggregate classification (germline): Likely benign. Review status: criteria provided, multiple submitters, no conflicts (2 of 4 stars). 2 submissions from 2 submitters: Likely benign (2). Last evaluated 2026-03-12.

Conditions:
SPG11-related disorder. Also called: SPG11-related condition.
Hereditary spastic paraplegia 11. Also called: Spastic Paraplegia 11; Nakamura Osame syndrome; Autosomal recessive hereditary spastic paraplegia, mental impairment, and thin corpus callosum; Spastic paraplegia, mental retardation and thin corpus callosum; SPASTIC PARAPLEGIA, AUTOSOMAL RECESSIVE, COMPLICATED, WITH THIN CORPUS CALLOSUM; SPASTIC PARAPLEGIA, AUTOSOMAL RECESSIVE, WITH MENTAL IMPAIRMENT AND THIN CORPUS CALLOSUM. Identifiers: Orphanet 2822, MedGen C1858479, MONDO:0011445, OMIM 604360.

gnomAD v4.1: 42 of 1,614,016 alleles (0.0026%); highest among the groups gnomAD compares: Non-Finnish European, 0.0035%; no homozygotes.

Submissions (2):

PreventionGenetics, part of Exact Sciences
Classification: Likely benign for SPG11-related condition. Last evaluated: 2026-03-12. Review status: criteria provided, single submitter. Criteria: ACMG Guidelines, 2015. Collection method: clinical testing. Allele origin: germline.
Comment: This variant is classified as likely benign based on ACMG/AMP sequence variant interpretation guidelines (Richards et al. 2015 PMID: 25741868, with internal and published modifications).

Labcorp Genetics (formerly Invitae), Labcorp
Classification: Likely benign for Hereditary spastic paraplegia 11. Last evaluated: 2025-10-27. Review status: criteria provided, single submitter. Criteria: Invitae Variant Classification Sherloc (09022015). Collection method: clinical testing. Allele origin: germline.

NM_025137.4(SPG11):c.4233C>T (p.Pro1411=)

Genes: SPG11 (SPG11 vesicle trafficking associated, spatacsin; minus strand), LOC130056973 (ATAC-STARR-seq lymphoblastoid active region 9341; plus strand). Cytogenetic location: 15q21.1.
Variant type: single nucleotide variant.
Coding change: c.4233C>T on transcript NM_025137.4 (MANE Select); coding-DNA position 4233, C replaced by T.
Protein change: p.Pro1411=; no amino-acid change (proline 1411 retained).
Molecular consequence: synonymous variant.
Genome position (GRCh38, 1-based): chr15:44,596,284, G>A on the plus strand (C>T on the coding strand, the complement: SPG11 is on the minus strand). VCF-style: chr15-44596284-G-A. GRCh37 (hg19) VCF-style: chr15-44888482-G-A.
Other names: c.4233C>T, p.Pro1411= (NM_001160227.2); c.4233C>T (NM_025137.3).
Identifiers: ClinVar variation 1126196 (VCV001126196.10), dbSNP rs758004741, ClinGen allele CA7534725.